The following is an entry in ClinVar:

NM_144999.4(LRRC45):c.232C>T (p.Leu78=)

Gene: LRRC45 (leucine rich repeat containing 45; plus strand). Cytogenetic location: 17q25.3.
Variant type: single nucleotide variant.
Coding change: c.232C>T on transcript NM_144999.4 (MANE Select); coding-DNA position 232, C replaced by T.
Protein change: p.Leu78=; no amino-acid change (leucine 78 retained).
Molecular consequence: synonymous variant.
Genome position (GRCh38, 1-based): chr17:82,024,289, C>T. VCF-style: chr17-82024289-C-T. GRCh37 (hg19) VCF-style: chr17-79982165-C-T.
Identifiers: ClinVar variation 4978747 (VCV004978747.1).
Genomic context (GRCh38, chr17:82,024,289, plus strand): 5'-CCTTGGGGTCAGCAGGGGCAGAGAGTGACCGCCGGCCCCCCTTACACAGGGGCCACACTG[C>T]TGCTCCGAGGCCTGTGTGCCAACACCGTGCTGCGCTTTCTGGACTTAAAGGTGAGATACC-3'
Protein context (NP_659436.1, residues 68-88): CMLSEEGATL[Leu78=]LRGLCANTVL

ClinVar aggregate classification (germline): Likely benign (1 of 4 stars; one submission).

Conditions:
LRRC45-related disorder. Also called: LRRC45-related condition.

gnomAD v4.1: 23 of 1,612,138 alleles (0.0014%); highest among the groups gnomAD compares: African/African-American, 0.029%; no homozygotes.

Submission:

PreventionGenetics, part of Exact Sciences
Classification: Likely benign for LRRC45-related condition. Last evaluated: 2025-09-03. Review status: criteria provided, single submitter. Criteria: ACMG Guidelines, 2015. Collection method: clinical testing. Allele origin: germline.
Comment: This variant is classified as likely benign based on ACMG/AMP sequence variant interpretation guidelines (Richards et al. 2015 PMID: 25741868, with internal and published modifications).